The following is an entry in ClinVar:

NM_001378183.1(PIEZO2):c.1081-3C>T

Gene: PIEZO2 (piezo type mechanosensitive ion channel component 2; minus strand). Cytogenetic location: 18p11.22.
Variant type: single nucleotide variant.
Coding change: c.1081-3C>T on transcript NM_001378183.1 (MANE Select); 3 bases into the intron before coding-DNA position 1081, C replaced by T.
Molecular consequence: intron variant.
Genome position (GRCh38, 1-based): chr18:10,803,997, G>A on the plus strand (C>T on the coding strand, the complement: PIEZO2 is on the minus strand). VCF-style: chr18-10803997-G-A. GRCh37 (hg19) VCF-style: chr18-10803995-G-A.
Other names: c.1081-3C>T (NM_022068.4, NM_001410871.1).
Identifiers: ClinVar variation 3717178 (VCV003717178.3).

ClinVar aggregate classification (germline): Conflicting classifications of pathogenicity. Review status: criteria provided, conflicting classifications (1 of 4 stars). 2 submissions from 2 submitters: Uncertain significance (1); Likely benign (1). Last evaluated 2025-06-09.

gnomAD v4.1: 444 of 1,537,196 alleles (0.029%); highest among the groups gnomAD compares: Non-Finnish European, 0.038%; no homozygotes.

Submissions (2):

Labcorp Genetics (formerly Invitae), Labcorp
Classification: Uncertain significance. Last evaluated: 2025-06-09. Review status: criteria provided, single submitter. Criteria: Invitae Variant Classification Sherloc (09022015). Collection method: clinical testing. Allele origin: germline.
Comment: This sequence change falls in intron 8 of the PIEZO2 gene. It does not directly change the encoded amino acid sequence of the PIEZO2 protein. It affects a nucleotide within the consensus splice site. This variant is present in population databases (rs377348993, gnomAD 0.03%). This variant has not been reported in the literature in individuals affected with PIEZO2-related conditions. ClinVar contains an entry for this variant (Variation ID: 3717178). Variants that disrupt the consensus splice site are a relatively common cause of aberrant splicing (PMID: 17576681, 9536098). Algorithms developed to predict the effect of sequence changes on RNA splicing suggest that this variant is not likely to affect RNA splicing. In summary, the available evidence is currently insufficient to determine the role of this variant in disease. Therefore, it has been classified as a Variant of Uncertain Significance.

Blueprint Genetics
Classification: Likely benign. Last evaluated: 2024-10-08. Review status: criteria provided, single submitter. Criteria: ACMG Guidelines, 2015. Collection method: clinical testing. Allele origin: germline.

Literature cited by the submitters: PubMed 17576681 (cited by Labcorp Genetics (formerly Invitae), Labcorp); PubMed 9536098 (cited by Labcorp Genetics (formerly Invitae), Labcorp).